The following is an entry in ClinVar:

ClinVar aggregate classification (germline): Likely pathogenic (1 of 4 stars; one submission).

Conditions:
Familial cancer of breast. Also called: hereditary breast carcinoma; BREAST CANCER, FAMILIAL; Hereditary breast cancer. Identifiers: Orphanet 227535, MedGen C0346153, MONDO:0016419, OMIM 114480. Disease mechanism: loss of function.

Submission:

Labcorp Genetics (formerly Invitae), Labcorp
Classification: Likely pathogenic for Familial cancer of breast. Last evaluated: 2026-01-18. Review status: criteria provided, single submitter. Criteria: Invitae Variant Classification Sherloc (09022015). Collection method: clinical testing. Allele origin: germline.
Comment: This sequence change creates a premature translational stop signal (p.Lys693*) in the BARD1 gene. While this is not anticipated to result in nonsense mediated decay, it is expected to disrupt the last 85 amino acid(s) of the BARD1 protein. This variant is not present in population databases (gnomAD no frequency). This variant has not been reported in the literature in individuals affected with BARD1-related conditions. This variant disrupts the C-terminal BRCT domain of BARD1 protein, which is required for chromosome stability and homology-directed repair (PMID: 17848578). A different variant (p.Val767fs) that lies downstream of this variant has been reported to affect BARD1 protein function (PMID: 30925164), this suggests that disruption of this region of the protein is causative of disease. In summary, the currently available evidence indicates that the variant is pathogenic, but additional data are needed to prove that conclusively. Therefore, this variant has been classified as Likely Pathogenic.

Literature cited by the submitters: PubMed 17848578; PubMed 30925164.

NM_000465.4(BARD1):c.2077A>T (p.Lys693Ter)

Gene: BARD1 (BRCA1 associated RING domain 1; minus strand). Cytogenetic location: 2q35.
Variant type: single nucleotide variant.
Coding change: c.2077A>T on transcript NM_000465.4 (MANE Select); coding-DNA position 2077, A replaced by T.
Protein change: p.Lys693Ter; replaces lysine 693 with a stop codon.
Molecular consequence: nonsense. On other transcripts: non-coding transcript variant (3).
Genome position (GRCh38, 1-based): chr2:214,728,933, T>A on the plus strand (A>T on the coding strand, the complement: BARD1 is on the minus strand). VCF-style: chr2-214728933-T-A. GRCh37 (hg19) VCF-style: chr2-215593657-T-A.
Other names: c.2020A>T, p.Lys674Ter (NM_001282543.2); c.724A>T, p.Lys242Ter (NM_001282545.2); c.667A>T, p.Lys223Ter (NM_001282548.2); c.538A>T, p.Lys180Ter (NM_001282549.2); short protein forms K242*, K223*, K674*, K693*, K180*.
Identifiers: ClinVar variation 4733057 (VCV004733057.1).